The following is an entry in ClinVar:

ClinVar aggregate classification (germline): Uncertain significance (1 of 4 stars; one submission).

Allele frequency attached by ClinVar (database versions not stated): TOPMed below 0.00001.

Submission:

Women's Health and Genetics/Laboratory Corporation of America, LabCorp
Classification: Uncertain significance. Last evaluated: 2019-08-30. Review status: criteria provided, single submitter. Criteria: LabCorp Variant Classification Summary - May 2015. Collection method: clinical testing. Allele origin: germline.
Comment: Variant summary: MYH11 c.3675C>G (p.Ala1225Ala) alters a non-conserved nucleotide located close to a canonical splice site and therefore could affect mRNA splicing, leading to a significantly altered protein sequence. 5/5 computational tools predict no significant impact on normal splicing. However, these predictions have yet to be confirmed by functional studies. The variant was absent in 249638 control chromosomes (gnomAD). The available data on variant occurrences in the general population are insufficient to allow any conclusion about variant significance. To our knowledge, no occurrence of c.3675C>G in individuals affected with Thoracic Aortic Aneurysms and Dissections and no experimental evidence demonstrating its impact on protein function have been reported. No clinical diagnostic laboratories have submitted clinical-significance assessments for this variant to ClinVar after 2014. Based on the evidence outlined above, the variant was classified as VUS-possibly benign.

NM_002474.3(MYH11):c.3654C>G (p.Ala1218=)

Gene: MYH11 (myosin heavy chain 11; minus strand). Cytogenetic location: 16p13.11.
Variant type: single nucleotide variant.
Coding change: c.3654C>G on transcript NM_002474.3 (MANE Select); coding-DNA position 3654, C replaced by G.
Protein change: p.Ala1218=; no amino-acid change (alanine 1218 retained).
Molecular consequence: synonymous variant.
Genome position (GRCh38, 1-based): chr16:15,727,052, G>C on the plus strand (C>G on the coding strand, the complement: MYH11 is on the minus strand). VCF-style: chr16-15727052-G-C. GRCh37 (hg19) VCF-style: chr16-15820909-G-C.
Other names: c.3675C>G, p.Ala1225= (NM_001040113.2, NM_001040114.2); c.3654C>G, p.Ala1218= (NM_022844.3).
Identifiers: ClinVar variation 496099 (VCV000496099.2), dbSNP rs1555554196, ClinGen allele CA493766492.